The following is an entry in ClinVar:

NM_001163435.3(TBCK):c.49T>G (p.Ser17Ala)

Gene: TBCK (TBC1 domain containing kinase; minus strand). Cytogenetic location: 4q24.
Variant type: single nucleotide variant.
Coding change: c.49T>G on transcript NM_001163435.3 (MANE Select); coding-DNA position 49, T replaced by G.
Protein change: p.Ser17Ala; replaces serine 17 with alanine.
Molecular consequence: missense variant. On other transcripts: 5 prime UTR variant (1).
Genome position (GRCh38, 1-based): chr4:106,308,912, A>C on the plus strand (T>G on the coding strand, the complement: TBCK is on the minus strand). VCF-style: chr4-106308912-A-C. GRCh37 (hg19) VCF-style: chr4-107230069-A-C.
Other names: c.49T>G, p.Ser17Ala (NM_001163436.4, NM_001163437.3, NM_033115.5); c.-569T>G (NM_001290768.2); short protein forms S17A.
Identifiers: ClinVar variation 1384094 (VCV001384094.5), dbSNP rs1202451246, ClinGen allele CA357974184.

ClinVar aggregate classification (germline): Uncertain significance (1 of 4 stars; one submission).

Submission:

Labcorp Genetics (formerly Invitae), Labcorp
Classification: Uncertain significance. Last evaluated: 2023-06-28. Review status: criteria provided, single submitter. Criteria: Invitae Variant Classification Sherloc (09022015). Collection method: clinical testing. Allele origin: germline.
Comment: ClinVar contains an entry for this variant (Variation ID: 1384094). Advanced modeling of protein sequence and biophysical properties (such as structural, functional, and spatial information, amino acid conservation, physicochemical variation, residue mobility, and thermodynamic stability) performed at Invitae indicates that this missense variant is not expected to disrupt TBCK protein function. In summary, the available evidence is currently insufficient to determine the role of this variant in disease. Therefore, it has been classified as a Variant of Uncertain Significance. This variant has not been reported in the literature in individuals affected with TBCK-related conditions. This sequence change replaces serine, which is neutral and polar, with alanine, which is neutral and non-polar, at codon 17 of the TBCK protein (p.Ser17Ala). This variant is present in population databases (no rsID available, gnomAD 0.007%).